The following is an entry in ClinVar:

ClinVar aggregate classification (germline): Pathogenic/Likely pathogenic. Review status: criteria provided, multiple submitters, no conflicts (2 of 4 stars). 2 submissions from 2 submitters: Pathogenic (1); Likely pathogenic (1). Last evaluated 2024-06-07.

Conditions:
Mucopolysaccharidosis, MPS-II (MPS2). Also called: Hunter Syndrome; Mucopolysaccharidosis with skin involvement; Mucopolysaccharidosis type 2; IDURONATE 2-SULFATASE DEFICIENCY; Mucopolysaccharidosis Type II; IDS deficiency. Identifiers: Orphanet 580, Orphanet 79388, MedGen C0026705, MONDO:0010674, OMIM 309900.

Submissions (2):

Laboratory of Diagnosis and Therapy of Lysosomal Disorders, University of Padova
Classification: Likely pathogenic for Mucopolysaccharidosis, MPS-II. Last evaluated: 2024-06-07. Review status: criteria provided, single submitter. Criteria: ACMG Guidelines, 2015. Collection method: literature only. Allele origin: germline. Affected: yes. Observed: 1 variant allele.
Comment: Absent from controls (or at low frequency) in gnomAD database (PM2_Moderate), Missense variant in a gene with a low rate of benign missense variation (PP2_Supporting), Multiple lines of computational evidence support a deleterious effect (PP3_Supporting), Patient’s phenotype or family history highly specific for the disease (PP4_Moderate)

Classification method: ACMG Guidelines [PMID:25741868] with modifications

IIFP, CONICET-UNLP
Classification: Pathogenic for Mucopolysaccharidosis, MPS-II. Last evaluated: 2010-08-07. Review status: criteria provided, single submitter. Criteria: ACMG Guidelines, 2007. Collection method: research. Allele origin: unknown. Inheritance: X-linked inheritance. Affected: yes. Observed: 1 variant allele.

Literature cited by the submitters: PubMed 27896113 (cited by Laboratory of Diagnosis and Therapy of Lysosomal Disorders, University of Padova); DOI 10.1016/j.ymgmr.2014.08.006 (cited by IIFP, CONICET-UNLP).

NM_000202.8(IDS):c.1033T>A (p.Trp345Arg)

Genes: IDS (iduronate 2-sulfatase; minus strand), LOC106050102 (IDS recombination region; plus strand). Cytogenetic location: Xq28.
Variant type: single nucleotide variant.
Coding change: c.1033T>A on transcript NM_000202.8 (MANE Select); coding-DNA position 1033, T replaced by A.
Protein change: p.Trp345Arg; replaces tryptophan 345 with arginine.
Molecular consequence: missense variant.
Genome position (GRCh38, 1-based): chrX:149,487,072, A>T on the plus strand (T>A on the coding strand, the complement: IDS is on the minus strand). VCF-style: chrX-149487072-A-T. GRCh37 (hg19) VCF-style: chrX-148568603-A-T.
Other names: c.763T>A, p.Trp255Arg (NM_001166550.4); short protein forms W345R, W255R.
Identifiers: ClinVar variation 221201 (VCV000221201.4), dbSNP rs193302906, ClinGen allele CA348624.